The following is an entry in ClinVar:

ClinVar aggregate classification (germline): Benign/Likely benign. Review status: criteria provided, multiple submitters, no conflicts (2 of 4 stars). 4 submissions from 4 submitters: Benign (1); Likely benign (3). Last evaluated 2026-06-01.

Conditions:
Developmental and epileptic encephalopathy 94 (DEE94). Also called: Epileptic encephalopathy, childhood-onset; CHD2-Related Neurodevelopmental Disorders. Identifiers: Orphanet 1942, Orphanet 2382, MedGen C3809278, MONDO:0014150, OMIM 615369.

Allele frequency attached by ClinVar (database versions not stated): 1000 Genomes Project 30x 0.00016; 1000 Genomes Project 0.00020; ESP Exome Variant Server 0.00023; TOPMed 0.00041; gnomAD 0.00046 and 0.00047; gnomAD exomes 0.00055 and 0.00067; ExAC 0.00064.
gnomAD v4.1: 1,021 of 1,585,730 alleles (0.064%); highest among the groups gnomAD compares: Non-Finnish European, 0.079%; no homozygotes.

Submissions (5):

CeGaT Center for Human Genetics Tuebingen
Classification: Likely benign. Last evaluated: 2026-06-01. Review status: criteria provided, single submitter. Criteria: CeGaT Center For Human Genetics Tuebingen Variant Classification Criteria Version 2. Collection method: clinical testing. Allele origin: germline. Affected: yes. Observed: 1 variant allele.
Comment: CHD2: BS2

Labcorp Genetics (formerly Invitae), Labcorp
Classification: Benign for Developmental and epileptic encephalopathy 94. Last evaluated: 2026-02-02. Review status: criteria provided, single submitter. Criteria: Invitae Variant Classification Sherloc (09022015). Collection method: clinical testing. Allele origin: germline.

Blueprint Genetics
Classification: Likely benign. Last evaluated: 2024-11-27. Review status: criteria provided, single submitter. Criteria: ACMG Guidelines, 2015. Collection method: clinical testing. Allele origin: germline.

GeneDx
Classification: Likely benign. Last evaluated: 2017-12-15. Review status: criteria provided, single submitter. Criteria: GeneDx Variant Classification (06012015). Collection method: clinical testing. Allele origin: germline. Affected: yes.
Comment: This variant is considered likely benign or benign based on one or more of the following criteria: it is a conservative change, it occurs at a poorly conserved position in the protein, it is predicted to be benign by multiple in silico algorithms, and/or has population frequency not consistent with disease.

Dr. Peter K. Rogan Lab, Western University
No classification provided (evidence only). Condition: Malignant tumor of esophagus. Review status: no classification provided. Collection method: in vitro. Allele origin: not applicable. Functional consequence: retained intron. Not counted in ClinVar's aggregate classification.

NM_001271.4(CHD2):c.2001-15C>G

Gene: CHD2 (chromodomain helicase DNA binding protein 2; plus strand). Cytogenetic location: 15q26.1.
Variant type: single nucleotide variant.
Coding change: c.2001-15C>G on transcript NM_001271.4 (MANE Select); 15 bases into the intron before coding-DNA position 2001, C replaced by G.
Molecular consequence: intron variant.
Genome position (GRCh38, 1-based): chr15:92,967,310, C>G. VCF-style: chr15-92967310-C-G. GRCh37 (hg19) VCF-style: chr15-93510540-C-G.
Identifiers: ClinVar variation 385485 (VCV000385485.13), dbSNP rs201137739, ClinGen allele CA7747915.
Genomic context (GRCh38, chr15:92,967,310, plus strand): 5'-ATTTTTTTACAGTTTTTTTTCCTATTCTTCTTTTCCTCAATGTGGCTAAATAACACTATA[C>G]TGTTTCTTCCCTAGGTTTGAATTTTGGGAAGATTTTGAAGAAGACCATGGGAAGGGGAGA-3'